The following is an entry in ClinVar:

NM_138387.4(G6PC3):c.56T>C (p.Leu19Pro)

Gene: G6PC3 (glucose-6-phosphatase catalytic subunit 3; plus strand). Cytogenetic location: 17q21.31.
Variant type: single nucleotide variant.
Coding change: c.56T>C on transcript NM_138387.4 (MANE Select); coding-DNA position 56, T replaced by C.
Protein change: p.Leu19Pro; replaces leucine 19 with proline.
Molecular consequence: missense variant. On other transcripts: 5 prime UTR variant (3), intron variant (1).
Genome position (GRCh38, 1-based): chr17:44,071,021, T>C. VCF-style: chr17-44071021-T-C. GRCh37 (hg19) VCF-style: chr17-42148389-T-C.
Other names: c.56T>C, p.Leu19Pro (NM_001319945.2); c.-349T>C (NM_001384165.1); c.-484T>C (NM_001384166.1); c.-474T>C (NM_001384167.1); c.-312+307T>C (NM_001384168.1); c.56T>C (NM_138387.3); short protein forms L19P.
Identifiers: ClinVar variation 1504772 (VCV001504772.9), dbSNP rs2144134978, ClinGen allele CA399745727.
Genomic context (GRCh38, chr17:44,071,021, plus strand): 5'-CCGCCATGGAGTCCACGCTGGGCGCGGGCATCGTGATAGCCGAGGCGCTACAGAACCAGC[T>C]AGCCTGGCTGGAGAACGTGTGGCTCTGGATCACCTTTCTGGGCGATCCCAAGATCCTCTT-3'
Protein context (NP_612396.1, residues 9-29): IVIAEALQNQ[Leu19Pro]AWLENVWLWI

ClinVar aggregate classification (germline): Uncertain significance. Review status: criteria provided, multiple submitters, no conflicts (2 of 4 stars). 2 submissions from 2 submitters: Uncertain significance (2). Last evaluated 2025-12-22.

Conditions:
Inborn genetic diseases. Identifiers: MedGen C0950123, MeSH D030342.
Autosomal recessive severe congenital neutropenia due to G6PC3 deficiency. Also called: NEUTROPENIA, SEVERE CONGENITAL, 4, AUTOSOMAL RECESSIVE; G6PC3 Deficiency. Identifiers: Orphanet 331176, MedGen C2751630, MONDO:0012930, OMIM 612541.

Submissions (2):

Ambry Genetics
Classification: Uncertain significance for Inborn genetic diseases. Last evaluated: 2025-12-22. Review status: criteria provided, single submitter. Criteria: Ambry Variant Classification Scheme 2023. Collection method: clinical testing. Allele origin: germline.
Comment: The p.L19P variant (also known as c.56T>C), located in coding exon 1 of the G6PC3 gene, results from a T to C substitution at nucleotide position 56. The leucine at codon 19 is replaced by proline, an amino acid with similar properties. This amino acid position is conserved. In addition, the in silico prediction for this alteration is inconclusive. Based on the available evidence, the clinical significance of this variant remains unclear.

Labcorp Genetics (formerly Invitae), Labcorp
Classification: Uncertain significance for Autosomal recessive severe congenital neutropenia due to G6PC3 deficiency. Last evaluated: 2021-01-27. Review status: criteria provided, single submitter. Criteria: Invitae Variant Classification Sherloc (09022015). Collection method: clinical testing. Allele origin: germline.
Comment: This sequence change replaces leucine with proline at codon 19 of the G6PC3 protein (p.Leu19Pro). The leucine residue is moderately conserved and there is a moderate physicochemical difference between leucine and proline. This variant has not been reported in the literature in individuals with G6PC3-related conditions. This variant is not present in population databases (ExAC no frequency). In summary, the available evidence is currently insufficient to determine the role of this variant in disease. Therefore, it has been classified as a Variant of Uncertain Significance. Algorithms developed to predict the effect of missense changes on protein structure and function (SIFT, PolyPhen-2, Align-GVGD) all suggest that this variant is likely to be tolerated, but these predictions have not been confirmed by published functional studies and their clinical significance is uncertain.